The following is an entry in ClinVar:

NM_002691.4(POLD1):c.2903_2914del (p.Arg968_Glu971del)

Gene: POLD1 (DNA polymerase delta 1, catalytic subunit; plus strand). Cytogenetic location: 19q13.33.
Variant type: Deletion.
Coding change: c.2903_2914del on transcript NM_002691.4 (MANE Select); coding-DNA positions 2903 to 2914, 12 bases deleted (GCATCTTCGAGC).
Protein change: p.Arg968_Glu971del.
Molecular consequence: inframe deletion. On other transcripts: non-coding transcript variant (1).
Genome position (GRCh38, 1-based): chr19:50,416,478-50,416,489, GCATCTTCGAGC deleted; deleting any 12 consecutive bases within chr19:50,416,476-50,416,489 gives the same sequence; the c. name uses the placement nearest the transcript's 3' end. VCF-style (leftmost placement, unchanged base first): chr19-50416475-TGCGCATCTTCGA-T. GRCh37 (hg19) VCF-style: chr19-50919732-TGCGCATCTTCGA-T.
Other names: c.2903_2914del (NM_002691.3); c.2903_2914del, p.Arg968_Glu971del (NM_001256849.1); c.2981_2992del, p.Arg994_Glu997del (NM_001308632.1).
Identifiers: ClinVar variation 639101 (VCV000639101.12), dbSNP rs1601246525, ClinGen allele CA915951893.

ClinVar aggregate classification (germline): Uncertain significance (1 of 4 stars; one submission).

Conditions:
POLD1-related polyposis and colorectal cancer syndrome (CRCS10). Also called: Colorectal cancer, susceptibility to, 10; Colorectal cancer 10; COLORECTAL CANCER, SUSCEPTIBILITY TO, ON CHROMOSOME 19q. Identifiers: Orphanet 220460, MedGen C2675481, MONDO:0012953, OMIM 612591.

Submission:

Labcorp Genetics (formerly Invitae), Labcorp
Classification: Uncertain significance for POLD1-related polyposis and colorectal cancer syndrome. Last evaluated: 2024-10-03. Review status: criteria provided, single submitter. Criteria: Invitae Variant Classification Sherloc (09022015). Collection method: clinical testing. Allele origin: germline.
Comment: This variant, c.2903_2914del, results in the deletion of 4 amino acid(s) of the POLD1 protein (p.Arg968_Glu971del), but otherwise preserves the integrity of the reading frame. This variant is not present in population databases (gnomAD no frequency). This variant has not been reported in the literature in individuals affected with POLD1-related conditions. ClinVar contains an entry for this variant (Variation ID: 639101). Experimental studies and prediction algorithms are not available or were not evaluated, and the functional significance of this variant is currently unknown. In summary, the available evidence is currently insufficient to determine the role of this variant in disease. Therefore, it has been classified as a Variant of Uncertain Significance.